The following is an entry in ClinVar:

ClinVar aggregate classification (germline): Uncertain significance. Review status: criteria provided, multiple submitters, no conflicts (2 of 4 stars). 2 submissions from 2 submitters: Uncertain significance (2). Last evaluated 2026-01-19.

Conditions:
Inborn genetic diseases. Identifiers: MedGen C0950123, MeSH D030342.

Allele frequency attached by ClinVar (database versions not stated): gnomAD exomes 0.00001; ExAC 0.00003; gnomAD 0.00004; TOPMed 0.00006.
gnomAD v4.1: 29 of 1,607,264 alleles (0.0018%); highest among the groups gnomAD compares: Admixed American, 0.02%; no homozygotes.

Submissions (2):

Labcorp Genetics (formerly Invitae), Labcorp
Classification: Uncertain significance. Last evaluated: 2026-01-19. Review status: criteria provided, single submitter. Criteria: Invitae Variant Classification Sherloc (09022015). Collection method: clinical testing. Allele origin: germline.
Comment: This sequence change replaces glycine, which is neutral and non-polar, with serine, which is neutral and polar, at codon 775 of the POLR1A protein (p.Gly775Ser). This variant is present in population databases (rs761226370, gnomAD 0.02%). This variant has not been reported in the literature in individuals affected with POLR1A-related conditions. ClinVar contains an entry for this variant (Variation ID: 1901226). Invitae Evidence Modeling of protein sequence and biophysical properties (such as structural, functional, and spatial information, amino acid conservation, physicochemical variation, residue mobility, and thermodynamic stability) indicates that this missense variant is expected to disrupt POLR1A protein function with a positive predictive value of 80%. In summary, the available evidence is currently insufficient to determine the role of this variant in disease. Therefore, it has been classified as a Variant of Uncertain Significance.

Ambry Genetics
Classification: Uncertain significance for Inborn genetic diseases. Last evaluated: 2023-12-18. Review status: criteria provided, single submitter. Criteria: Ambry Variant Classification Scheme 2023. Collection method: clinical testing. Allele origin: germline.

NM_015425.6(POLR1A):c.2323G>A (p.Gly775Ser)

Gene: POLR1A (RNA polymerase I subunit A; minus strand). Cytogenetic location: 2p11.2.
Variant type: single nucleotide variant.
Coding change: c.2323G>A on transcript NM_015425.6 (MANE Select); coding-DNA position 2323, G replaced by A.
Protein change: p.Gly775Ser; replaces glycine 775 with serine.
Molecular consequence: missense variant.
Genome position (GRCh38, 1-based): chr2:86,052,886, C>T on the plus strand (G>A on the coding strand, the complement: POLR1A is on the minus strand). VCF-style: chr2-86052886-C-T. GRCh37 (hg19) VCF-style: chr2-86280009-C-T.
Other names: c.2323G>A (NM_015425.3); short protein forms G775S.
Identifiers: ClinVar variation 1901226 (VCV001901226.6), dbSNP rs761226370, ClinGen allele CA1746105.